The following is an entry in ClinVar:

NM_016239.4(MYO15A):c.2116G>A (p.Ala706Thr)

Gene: MYO15A (myosin XVA; plus strand). Cytogenetic location: 17p11.2.
Variant type: single nucleotide variant.
Coding change: c.2116G>A on transcript NM_016239.4 (MANE Select); coding-DNA position 2116, G replaced by A.
Protein change: p.Ala706Thr; replaces alanine 706 with threonine.
Molecular consequence: missense variant.
Genome position (GRCh38, 1-based): chr17:18,120,916, G>A. VCF-style: chr17-18120916-G-A. GRCh37 (hg19) VCF-style: chr17-18024230-G-A.
Other names: short protein forms A706T.
Identifiers: ClinVar variation 891199 (VCV000891199.46), dbSNP rs932191004, ClinGen allele CA288388236.
Genomic context (GRCh38, chr17:18,120,916, plus strand): 5'-GGCCTGCCCCGGCCGGCCTCGCCCTACGGCTCCCTCCGCCGCCACCCGCCGCCCTGGGCC[G>A]CCCCAGCGCACGTGCCACCGGCGCCGCAGGCCAGCTGGTGGGCCTTCGTGGAGCCCCCTG-3'
Protein context (NP_057323.3, residues 696-716): SLRRHPPPWA[Ala706Thr]PAHVPPAPQA

ClinVar aggregate classification (germline): Conflicting classifications of pathogenicity. Review status: criteria provided, conflicting classifications (1 of 4 stars). 7 submissions from 7 submitters: Uncertain significance (6); Likely benign (1). Last evaluated 2025-11-18.

Conditions:
Inborn genetic diseases. Identifiers: MedGen C0950123, MeSH D030342.
Autosomal recessive nonsyndromic hearing loss 3. Also called: NEUROSENSORY NONSYNDROMIC RECESSIVE DEAFNESS 3. Identifiers: Orphanet 90636, MedGen C1838263, MONDO:0010860, OMIM 600316.

Allele frequency attached by ClinVar (database versions not stated): gnomAD 0.00016 and 0.00017; TOPMed 0.00016; gnomAD exomes 0.00024 and 0.00026.
gnomAD v4.1: 364 of 1,446,452 alleles (0.025%); highest among the groups gnomAD compares: Non-Finnish European, 0.032%; no homozygotes.

Submissions (7):

Labcorp Genetics (formerly Invitae), Labcorp
Classification: Likely benign. Last evaluated: 2025-11-18. Review status: criteria provided, single submitter. Criteria: Invitae Variant Classification Sherloc (09022015). Collection method: clinical testing. Allele origin: germline.

CeGaT Center for Human Genetics Tuebingen
Classification: Uncertain significance. Last evaluated: 2025-10-01. Review status: criteria provided, single submitter. Criteria: CeGaT Center For Human Genetics Tuebingen Variant Classification Criteria Version 2. Collection method: clinical testing. Allele origin: germline. Affected: yes. Observed: 4 variant alleles.
Comment: MYO15A: PM2:Supporting

GeneDx
Classification: Uncertain significance. Last evaluated: 2025-08-14. Review status: criteria provided, single submitter. Criteria: GeneDx Variant Classification Process June 2021. Collection method: clinical testing. Allele origin: germline. Affected: yes.
Comment: In silico analysis suggests that this missense variant does not alter protein structure/function; Has not been previously published as pathogenic or benign to our knowledge

Blueprint Genetics
Classification: Uncertain significance. Last evaluated: 2024-11-26. Review status: criteria provided, single submitter. Criteria: ACMG Guidelines, 2015. Collection method: clinical testing. Allele origin: germline.

Ambry Genetics
Classification: Uncertain significance for Inborn genetic diseases. Last evaluated: 2024-01-23. Review status: criteria provided, single submitter. Criteria: Ambry Variant Classification Scheme 2023. Collection method: clinical testing. Allele origin: germline.

Institute of Human Genetics, University of Leipzig Medical Center
Classification: Uncertain significance for Autosomal recessive nonsyndromic hearing loss 3. Last evaluated: 2023-01-05. Review status: criteria provided, single submitter. Criteria: ACMG Guidelines, 2015. Collection method: clinical testing. Allele origin: maternal. Affected: yes.
Comment: This variant was identified as compound heterozygous with NM_016239.4:c.7313dup._x000D_ Criteria applied: PM3, PM2_SUP, BP4

Illumina Laboratory Services, Illumina
Classification: Uncertain significance for Autosomal recessive nonsyndromic hearing loss 3. Last evaluated: 2018-01-12. Review status: criteria provided, single submitter. Criteria: ICSL Variant Classification Criteria 13 December 2019. Collection method: clinical testing. Allele origin: germline.